The following is an entry in ClinVar:

ClinVar aggregate classification (germline): Pathogenic. Review status: criteria provided, multiple submitters, no conflicts (2 of 4 stars). 26 submissions from 25 submitters: Pathogenic (21). 5 of the submissions do not count toward it. Last evaluated 2026-09-07.

Conditions:
GJB2-related disorder. Also called: GJB2-related condition; GJB2-related disorders. Identifiers: MedGen CN382183, MONDO:1060236.
Rare genetic deafness. Identifiers: Orphanet 96210, MedGen C5680250.
Monogenic hearing loss.
Autosomal recessive nonsyndromic hearing loss 1A (DFNB1A). Also called: Deafness, autosomal recessive 1A; GJB2-Related Autosomal Recessive Nonsyndromic Hearing Loss; Connexin 26 deafness; Deafness nonsyndromic, Connexin 26 linked; Nonsyndromic Hearing Loss and Deafness, DFNB1; GJB6-Related DFNB 1 Nonsyndromic Hearing Loss and Deafness. Identifiers: Orphanet 90636, MedGen C2673759, MONDO:0009076, OMIM 220290.
Palmoplantar keratoderma-deafness syndrome. Also called: Keratoderma palmoplantar, with deafness; Palmoplantar keratoderma and sensorineural deafness; Hereditary palmoplantar keratoderma with deafness (subtype); Focal palmoplantar keratoderma with sensorineural deafness (subtype); Diffuse palmoplantar keratoderma with deafness (subtype). Identifiers: Orphanet 2202, MedGen C1835672, MONDO:0007852, OMIM 148350.
Knuckle pads, deafness AND leukonychia syndrome. Also called: Bart-Pumphrey syndrome. Identifiers: Orphanet 2698, MedGen C0266004, MONDO:0007866, OMIM 149200.
Autosomal dominant keratitis-ichthyosis-hearing loss syndrome. Also called: HID SYNDROME; KID SYNDROME, AUTOSOMAL DOMINANT; Senter syndrome. Identifiers: Orphanet 477, MedGen C0265336, MONDO:0007850, OMIM 148210.
X-linked mixed hearing loss with perilymphatic gusher. Also called: NANCE DEAFNESS; Gusher syndrome; PERILYMPHATIC GUSHER-DEAFNESS SYNDROME; SENSORINEURAL DEAFNESS, PROFOUND, WITH OR WITHOUT A CONDUCTIVE COMPONENT, ASSOCIATED WITH A UNIQUE DEVELOPMENTAL ABNORMALITY OF THE EAR; Deafness, X-linked 2. Identifiers: Orphanet 383, MedGen C1844678, MONDO:0010576, OMIM 304400.
Autosomal dominant nonsyndromic hearing loss 3A. Identifiers: Orphanet 90635, MedGen C2675750, MONDO:0011103, OMIM 601544.
Ichthyosis, hystrix-like, with hearing loss. Also called: Hystrix-like ichthyosis with deafness. Identifiers: Orphanet 477, MedGen C1865234, MONDO:0011245.
Mutilating keratoderma (VOWNKL). Also called: Keratoderma hereditarium mutilans. Identifiers: Orphanet 494, MedGen C0265964, MONDO:0007422, OMIM 124500.
Sensorineural hearing loss disorder. Also called: Sensorineural hearing loss; Sensorineural Deafness; Sensorineural hearing impairment. Identifiers: MedGen C0018784, MeSH D006319, MONDO:0020678, HP:0000407.
Autosomal recessive nonsyndromic hearing loss 1B. Also called: DEAFNESS, AUTOSOMAL RECESSIVE 1B. Identifiers: Orphanet 90636, MedGen C2675235, MONDO:0012977, OMIM 612645.
Hearing loss, autosomal recessive. Also called: Rare autosomal recessive non-syndromic sensorineural deafness type DFNB; Nonsyndromic Hearing Loss, Recessive; Autosomal recessive nonsyndromic deafness; Deafness, autosomal recessive. Identifiers: Orphanet 90635, Orphanet 90636, MedGen C1846647, MONDO:0019588, OMIM 607197.

Allele frequency attached by ClinVar (database versions not stated): 1000 Genomes Project below 0.00001; gnomAD below 0.00001 and 0.00004; ExAC 0.00015; TOPMed 0.00001; gnomAD exomes 0.00011 and 0.00014.
gnomAD v4.1: 167 of 1,614,054 alleles (0.01%); highest among the groups gnomAD compares: South Asian, 0.18%; no homozygotes.

Submissions 1 to 9 of 26:

Genetics Laboratory, Great Ormond Street Hospital NHS Foundation Trust, North Thames Genomic Laboratory Hub
Classification: Pathogenic for Monogenic hearing loss. Last evaluated: 2026-09-07. Review status: criteria provided, single submitter. Criteria: ACGS Best Practice Guidelines for Variant Classification in Rare Disease 2024 v1.2. Collection method: clinical testing. Allele origin: germline. Affected: yes.
Comment: PM2_moderate, PVS1_strong, PP1_supporting, PM3_very-strong

Labcorp Genetics (formerly Invitae), Labcorp
Classification: Pathogenic. Last evaluated: 2025-11-12. Review status: criteria provided, single submitter. Criteria: Invitae Variant Classification Sherloc (09022015). Collection method: clinical testing. Allele origin: germline.
Comment: This sequence change creates a premature translational stop signal (p.Trp77*) in the GJB2 gene. While this is not anticipated to result in nonsense mediated decay, it is expected to disrupt the last 150 amino acid(s) of the GJB2 protein. This variant is present in population databases (rs80338944, gnomAD 0.1%). This premature translational stop signal has been observed in individual(s) with autosomal recessive nonsyndromic deafness (PMID: 9139825, 24840842, 25636251). It has also been observed to segregate with disease in related individuals. ClinVar contains an entry for this variant (Variation ID: 17001). This variant disrupts a region of the GJB2 protein in which other variant(s) (p.Lys112Glufs*2) have been determined to be pathogenic (PMID: 9529365, 23141775). This suggests that this is a clinically significant region of the protein, and that variants that disrupt it are likely to be disease-causing. For these reasons, this variant has been classified as Pathogenic.

Otogenetics
Classification: Pathogenic for Autosomal recessive nonsyndromic hearing loss 1A. Last evaluated: 2025-10-13. Review status: criteria provided, single submitter. Criteria: ACMG Guidelines, 2015. Collection method: clinical testing. Allele origin: germline.
Comment: PVS1: Stop gain variant introduces premature stop codon in gene with loss of function as mechanism of disease, removes more than 10% of gene product; PM2: Maximum gnomAD MAF of 0.1143% in South Asian (SAS) subpopulation (<0.185% threshold); PM3_Strong: Variant reported in homozygous state in four patients and in trans with two other pathogenic variants in three patients affected with non-syndromic hearing loss (PMID: 25636251, 26061099)

Natera, Inc.
Classification: Pathogenic for Autosomal recessive deafness type 1A. Last evaluated: 2025-08-30. Review status: criteria provided, single submitter. Criteria: Natera Variant Classification Schema (03/2026). Collection method: clinical testing. Allele origin: germline.
Comment: The c.231G>A variant in GJB2 is a nonsense variant predicted to introduce a stop codon at amino acid 77. This variant is expected to result in nonsense mediated decay, truncation, or a dysfunctional protein product. This variant is rare in the general population with a frequency below the threshold expected for the associated phenotype(s). This variant has been observed in one or more individuals affected with the associated recessive disease, as either homozygous or compound heterozygous with a second variant (PMID: 31389194). Given the available evidence, this variant is classified as Pathogenic.

ARUP Laboratories, Molecular Genetics and Genomics, ARUP Laboratories
Classification: Pathogenic. Last evaluated: 2025-01-16. Review status: criteria provided, single submitter. Criteria: ARUP Molecular Germline Variant Investigation Process 2024. Collection method: clinical testing. Allele origin: germline.
Comment: The GJB2 c.231G>A; p.Trp77Ter variant (rs80338944, ClinVar Variation ID: 17001) is reported homozygous or compound heterozygous in the literature in multiple individuals affected with nonsyndromic hearing loss (Kelsell 1997, Salman 2015, Singh 2018). This variant is found in the South Asian population with an allele frequency of 0.11% (35/30,616 alleles) in the Genome Aggregation Database (v2.1.1). This variant induces an early termination codon and is predicted to result in a truncated protein. Additionally, another variant (c.230G>A, p.Trp77Ter) resulting in the same amino change has been reported in individuals with hearing loss and is considered pathogenic (Vallian 2023, Wang 2018). Based on available information, this variant is considered to be pathogenic. References: Kelsell DP et al. Connexin 26 mutations in hereditary non-syndromic sensorineural deafness. Nature. 1997 May 1;387(6628):80-3. PMID: 9139825. Salman M et al. Mutations of GJB2 encoding connexin 26 contribute to non-syndromic moderate and severe hearing loss in Pakistan. Eur Arch Otorhinolaryngol. 2015 Aug;272(8):2071-5. PMID: 25636251. Singh PK et al. Spectrum of GJB2 gene variants in Indian children with non-syndromic hearing loss. Indian J Med Res. 2018 Jun;147(6):615-618. PMID: 30168495. Vallian Broojeni J et al. Exome sequencing identifies novel variants associated with non-syndromic hearing loss in the Iranian population. PLoS One. 2023 Aug 10;18(8):e0289247. PMID: 37561809. Wang X et al. Children with GJB2 gene mutations have various audiological phenotypes. Biosci Trends. 2018 Sep 19;12(4):419-425. PMID: 30146550.

Laboratory of Dr. Barbara Vona, University Medical Center Göttingen
Classification: Pathogenic for Sensorineural hearing loss disorder. Last evaluated: 2024-12-20. Review status: criteria provided, single submitter. Criteria: ClinGen HL ACMG Specifications v1. Collection method: clinical testing. Allele origin: germline. Affected: yes.

Blueprint Genetics
Classification: Pathogenic for GJB2-related disorders. Last evaluated: 2024-11-07. Review status: criteria provided, single submitter. Criteria: ACMG Guidelines, 2015. Collection method: clinical testing. Allele origin: germline. Affected: yes. Observed: 5 variant alleles.

Fulgent Genetics
Classification: Pathogenic for Mutilating keratoderma; Autosomal dominant keratitis-ichthyosis-hearing loss syndrome; Palmoplantar keratoderma-deafness syndrome; Knuckle pads, deafness AND leukonychia syndrome; Autosomal recessive nonsyndromic hearing loss 1A; Autosomal dominant nonsyndromic hearing loss 3A. Last evaluated: 2024-04-24. Review status: criteria provided, single submitter. Criteria: ACMG Guidelines, 2015. Collection method: clinical testing. Allele origin: germline.

Athena Diagnostics
Classification: Pathogenic. Last evaluated: 2023-11-30. Review status: criteria provided, single submitter. Criteria: Athena Diagnostics Criteria. Collection method: clinical testing. Allele origin: unknown.
Comment: This variant is expected to result in the loss of a functional protein. The frequency of this variant in the general population is consistent with pathogenicity. (Genome Aggregation Database (gnomAD), Cambridge, MA (URL)) This variant has been identified in multiple unrelated individuals with clinical features of nonsyndromic hearing loss and deafness and is considered one of the most common causes of deafness among individuals of South Asian ancestry (PMID: 25636251). This variant has been seen with a single recessive pathogenic variant in the same gene, suggesting this variant may also be pathogenic, and segregates with disease in multiple families.

NM_004004.6(GJB2):c.231G>A (p.Trp77Ter)

Gene: GJB2 (gap junction protein beta 2; minus strand). Cytogenetic location: 13q12.11.
Variant type: single nucleotide variant.
Coding change: c.231G>A on transcript NM_004004.6 (MANE Select); coding-DNA position 231, G replaced by A.
Protein change: p.Trp77Ter; replaces tryptophan 77 with a stop codon.
Molecular consequence: nonsense.
Genome position (GRCh38, 1-based): chr13:20,189,351, C>T on the plus strand (G>A on the coding strand, the complement: GJB2 is on the minus strand). VCF-style: chr13-20189351-C-T. GRCh37 (hg19) VCF-style: chr13-20763490-C-T.
Other names: p.Trp77Ter; short protein forms W77*.
Identifiers: ClinVar variation 17001 (VCV000017001.57), dbSNP rs80338944, ClinGen allele CA341437.